The following is an entry in ClinVar:

NM_001165963.4(SCN1A):c.986del (p.Gly329fs)

Gene: SCN1A (sodium voltage-gated channel alpha subunit 1; minus strand). Cytogenetic location: 2q24.3.
Variant type: Deletion.
Coding change: c.986del on transcript NM_001165963.4 (MANE Select); coding-DNA position 986, one base deleted (G; older notation c.986delG).
Protein change: p.Gly329fs; shifts the reading frame from glycine 329.
Molecular consequence: frameshift variant. On other transcripts: 5 prime UTR variant (1), non-coding transcript variant (1).
Genome position (GRCh38, 1-based): chr2:166,048,928, C deleted on the plus strand (G on the coding strand, the reverse complement: SCN1A is on the minus strand); the first of 3 consecutive C bases (chr2:166,048,928-166,048,930); deleting any one gives the same sequence. VCF-style (leftmost placement, unchanged base first): chr2-166048927-AC-A. GRCh37 (hg19) VCF-style: chr2-166905437-AC-A.
Other names: c.986del, p.Gly329fs (NM_001165964.3, NM_001202435.3, NM_001353948.2 and 10 more transcripts); c.-1440del (NM_001353961.2); short protein forms G329fs.
Identifiers: ClinVar variation 976439 (VCV000976439.1), dbSNP rs1698186316, ClinGen allele CA1139655680.

ClinVar aggregate classification (germline): Pathogenic (1 of 4 stars; one submission).

Conditions:
Generalized epilepsy with febrile seizures plus, type 2 (GEFSP2). Also called: GEFS+, TYPE 2. Identifiers: Orphanet 36387, MedGen C1858673, MONDO:0011461, OMIM 604403.

Submission:

Institute of Human Genetics, University of Leipzig Medical Center
Classification: Pathogenic for Generalized epilepsy with febrile seizures plus, type 2. Last evaluated: 2019-12-27. Review status: criteria provided, single submitter. Criteria: ACMG Guidelines, 2015. Collection method: clinical testing. Allele origin: de novo. Affected: yes. Observed: 1 variant allele.
Comment: This variant was identified as de novo (maternity and paternity confirmed).